The following is an entry in ClinVar:

ClinVar aggregate classification (germline): Likely benign. Review status: criteria provided, multiple submitters, no conflicts (2 of 4 stars). 3 submissions from 3 submitters: Likely benign (2). 1 of the submissions does not count toward it. Last evaluated 2025-12-15.

Conditions:
ANKRD1-related dilated cardiomyopathy. Identifiers: MedGen CN119551.
ANKRD1-related disorder. Also called: ANKRD1-related condition.

Allele frequency attached by ClinVar (database versions not stated): gnomAD 0.00001; gnomAD exomes 0.00001 and 0.00006; TOPMed 0.00002; ExAC 0.00003.
gnomAD v4.1: 17 of 1,613,790 alleles (0.0011%); highest among the groups gnomAD compares: Admixed American, 0.028%; no homozygotes.

Submissions (3):

Labcorp Genetics (formerly Invitae), Labcorp
Classification: Likely benign for ANKRD1-related dilated cardiomyopathy. Last evaluated: 2025-12-15. Review status: criteria provided, single submitter. Criteria: Invitae Variant Classification Sherloc (09022015). Collection method: clinical testing. Allele origin: germline.

GeneDx
Classification: Likely benign. Last evaluated: 2019-08-07. Review status: criteria provided, single submitter. Criteria: GeneDx Variant Classification Process June 2021. Collection method: clinical testing. Allele origin: germline. Affected: yes.

PreventionGenetics, part of Exact Sciences
Classification: Likely benign for ANKRD1-related condition. Last evaluated: 2023-03-16. Review status: no assertion criteria provided. Collection method: clinical testing. Allele origin: germline. Not counted in ClinVar's aggregate classification.
Comment: This variant is classified as likely benign based on ACMG/AMP sequence variant interpretation guidelines (Richards et al. 2015 PMID: 25741868, with internal and published modifications).

NM_014391.3(ANKRD1):c.28-6T>C

Gene: ANKRD1 (ankyrin repeat domain 1; minus strand). Cytogenetic location: 10q23.31.
Variant type: single nucleotide variant.
Coding change: c.28-6T>C on transcript NM_014391.3 (MANE Select); 6 bases into the intron before coding-DNA position 28, T replaced by C.
Molecular consequence: intron variant.
Genome position (GRCh38, 1-based): chr10:90,920,354, A>G on the plus strand (T>C on the coding strand, the complement: ANKRD1 is on the minus strand). VCF-style: chr10-90920354-A-G. GRCh37 (hg19) VCF-style: chr10-92680111-A-G.
Identifiers: ClinVar variation 514095 (VCV000514095.15), dbSNP rs745799180, ClinGen allele CA5598858.